The following is an entry in ClinVar:

NM_001165963.4(SCN1A):c.4969C>A (p.Arg1657Ser)

Genes: SCN1A (sodium voltage-gated channel alpha subunit 1; minus strand), LOC102724058 (uncharacterized LOC102724058; plus strand). Cytogenetic location: 2q24.3.
Variant type: single nucleotide variant.
Coding change: c.4969C>A on transcript NM_001165963.4 (MANE Select); coding-DNA position 4969, C replaced by A.
Protein change: p.Arg1657Ser; replaces arginine 1657 with serine.
Molecular consequence: missense variant. On other transcripts: non-coding transcript variant (1).
Genome position (GRCh38, 1-based): chr2:165,992,306, G>T on the plus strand (C>A on the coding strand, the complement: SCN1A is on the minus strand). VCF-style: chr2-165992306-G-T. GRCh37 (hg19) VCF-style: chr2-166848816-G-T.
Other names: c.4885C>A, p.Arg1629Ser (NM_001165964.3, NM_001353957.2, NM_001353958.2); c.4969C>A, p.Arg1657Ser (NM_001202435.3, NM_001353948.2); c.4936C>A, p.Arg1646Ser (NM_001353949.2, NM_001353950.2, NM_001353951.2 and 2 more transcripts); c.4933C>A, p.Arg1645Ser (NM_001353954.2, NM_001353955.2); c.4882C>A, p.Arg1628Ser (NM_001353960.2); c.2527C>A, p.Arg843Ser (NM_001353961.2); short protein forms R1629S, R1646S, R1657S, R1628S, R1645S, R843S.
Identifiers: ClinVar variation 2822596 (VCV002822596.3), dbSNP rs121918811, ClinGen allele CA349069953.

ClinVar aggregate classification (germline): Likely pathogenic (1 of 4 stars; one submission).

Conditions:
Early-infantile DEE. Also called: Early infantile epileptic encephalopathy; Early infantile epileptic encephalopathy with suppression bursts; Ohtahara syndrome. Identifiers: Orphanet 1934, MedGen C0393706, MONDO:0800491.

Submission:

Labcorp Genetics (formerly Invitae), Labcorp
Classification: Likely pathogenic for Early-infantile DEE. Last evaluated: 2023-04-06. Review status: criteria provided, single submitter. Criteria: Invitae Variant Classification Sherloc (09022015). Collection method: clinical testing. Allele origin: germline.
Comment: This sequence change replaces arginine, which is basic and polar, with serine, which is neutral and polar, at codon 1657 of the SCN1A protein (p.Arg1657Ser). This variant is not present in population databases (gnomAD no frequency). This missense change has been observed in individual(s) with clinical features of SCN1A-related conditions (Invitae). Advanced modeling of protein sequence and biophysical properties (such as structural, functional, and spatial information, amino acid conservation, physicochemical variation, residue mobility, and thermodynamic stability) performed at Invitae indicates that this missense variant is expected to disrupt SCN1A protein function. This variant disrupts the p.Arg1657 amino acid residue in SCN1A. Other variant(s) that disrupt this residue have been determined to be pathogenic (PMID: 14672992, 17347258). This suggests that this residue is clinically significant, and that variants that disrupt this residue are likely to be disease-causing. In summary, the currently available evidence indicates that the variant is pathogenic, but additional data are needed to prove that conclusively. Therefore, this variant has been classified as Likely Pathogenic.

Literature cited by the submitters: PubMed 14672992; PubMed 17347258.